The following is an entry in ClinVar:

ClinVar aggregate classification (germline): Pathogenic (1 of 4 stars; one submission).

Conditions:
Cardiovascular phenotype. Identifiers: MedGen CN230736.

Submission:

Molecular Diagnostic Laboratory for Inherited Cardiovascular Disease, Montreal Heart Institute
Classification: Pathogenic for Cardiovascular phenotype. Last evaluated: 2026-06-17. Review status: criteria provided, single submitter. Criteria: ACMG Guidelines, 2015. Collection method: clinical testing. Allele origin: germline. Affected: yes.
Comment: PS2, PM2, PM5, PP2, PP3

NM_001035.3(RYR2):c.41T>G (p.Leu14Arg)

Gene: RYR2 (ryanodine receptor 2; plus strand). Cytogenetic location: 1q43.
Variant type: single nucleotide variant.
Coding change: c.41T>G on transcript NM_001035.3 (MANE Select); coding-DNA position 41, T replaced by G.
Protein change: p.Leu14Arg; replaces leucine 14 with arginine.
Molecular consequence: missense variant.
Genome position (GRCh38, 1-based): chr1:237,042,562, T>G. VCF-style: chr1-237042562-T-G. GRCh37 (hg19) VCF-style: chr1-237205862-T-G.
Other names: short protein forms L14R.
Identifiers: ClinVar variation 5037778 (VCV005037778.1).